The following is an entry in ClinVar:

NM_004187.5(KDM5C):c.1698A>G (p.Gln566=)

Gene: KDM5C (lysine demethylase 5C; minus strand). Cytogenetic location: Xp11.22.
Variant type: single nucleotide variant.
Coding change: c.1698A>G on transcript NM_004187.5 (MANE Select); coding-DNA position 1698, A replaced by G.
Protein change: p.Gln566=; no amino-acid change (glutamine 566 retained).
Molecular consequence: synonymous variant. On other transcripts: non-coding transcript variant (3).
Genome position (GRCh38, 1-based): chrX:53,210,462, T>C on the plus strand (A>G on the coding strand, the complement: KDM5C is on the minus strand). VCF-style: chrX-53210462-T-C. GRCh37 (hg19) VCF-style: chrX-53239644-T-C.
Other names: c.1497A>G, p.Gln499= (NM_001146702.2); c.1695A>G, p.Gln565= (NM_001282622.3, NM_001353979.2, NM_001353982.2); c.1698A>G, p.Gln566= (NM_001353978.3, NM_001353981.2, NM_001353984.2).
Identifiers: ClinVar variation 4874316 (VCV004874316.2).

ClinVar aggregate classification (germline): Likely benign (1 of 4 stars; one submission).

gnomAD v4.1: 38 of 1,211,978 alleles (0.0031%); highest among the groups gnomAD compares: South Asian, 0.063%; 1 homozygote.

Submission:

CeGaT Center for Human Genetics Tuebingen
Classification: Likely benign. Last evaluated: 2026-04-01. Review status: criteria provided, single submitter. Criteria: CeGaT Center For Human Genetics Tuebingen Variant Classification Criteria Version 2. Collection method: clinical testing. Allele origin: germline. Affected: yes. Observed: 1 variant allele.
Comment: KDM5C: BP4, BP7, BS2